The following is an entry in ClinVar:

NM_001042492.3(NF1):c.4376A>G (p.Glu1459Gly)

Gene: NF1 (neurofibromin 1; plus strand). Cytogenetic location: 17q11.2.
Variant type: single nucleotide variant.
Coding change: c.4376A>G on transcript NM_001042492.3 (MANE Select); coding-DNA position 4376, A replaced by G.
Protein change: p.Glu1459Gly; replaces glutamic acid 1459 with glycine.
Molecular consequence: missense variant.
Genome position (GRCh38, 1-based): chr17:31,259,075, A>G. VCF-style: chr17-31259075-A-G. GRCh37 (hg19) VCF-style: chr17-29586093-A-G.
Other names: c.4313A>G, p.Glu1438Gly (NM_000267.4); short protein forms E1438G, E1459G.
Identifiers: ClinVar variation 3404584 (VCV003404584.1).

ClinVar aggregate classification (germline): Uncertain significance (1 of 4 stars; one submission).

Conditions:
Hereditary cancer-predisposing syndrome. Also called: Hereditary Cancer Syndrome; Tumor predisposition; Hereditary neoplastic syndrome; Neoplastic Syndromes, Hereditary. Identifiers: Orphanet 140162, MedGen C0027672, MeSH D009386, MONDO:0015356.
Cardiovascular phenotype. Identifiers: MedGen CN230736.

Submission:

Ambry Genetics
Classification: Uncertain significance for Cardiovascular phenotype; Hereditary cancer-predisposing syndrome. Last evaluated: 2024-10-12. Review status: criteria provided, single submitter. Criteria: Ambry Variant Classification Scheme 2023. Collection method: clinical testing. Allele origin: germline.
Comment: The p.E1438G variant (also known as c.4313A>G), located in coding exon 32 of the NF1 gene, results from an A to G substitution at nucleotide position 4313. The glutamic acid at codon 1438 is replaced by glycine, an amino acid with similar properties. This amino acid position is conserved. In addition, this alteration is predicted to be deleterious by in silico analysis. Based on the available evidence, the clinical significance of this variant remains unclear.